The following is an entry in ClinVar:

ClinVar aggregate classification (germline): Uncertain significance (1 of 4 stars; one submission).

Conditions:
Bloom syndrome (BLM). Also called: Bloom-Torre-Machacek syndrome. Identifiers: Orphanet 125, MedGen C0005859, MONDO:0008876, OMIM 210900.

Allele frequency attached by ClinVar (database versions not stated): gnomAD exomes below 0.00001.
gnomAD v4.1: 1 of 1,613,990 alleles (0.000062%); highest among the groups gnomAD compares: Non-Finnish European, 0.000085%; no homozygotes.

Submission:

Labcorp Genetics (formerly Invitae), Labcorp
Classification: Uncertain significance for Bloom syndrome. Last evaluated: 2022-09-27. Review status: criteria provided, single submitter. Criteria: Invitae Variant Classification Sherloc (09022015). Collection method: clinical testing. Allele origin: germline.
Comment: Advanced modeling of protein sequence and biophysical properties (such as structural, functional, and spatial information, amino acid conservation, physicochemical variation, residue mobility, and thermodynamic stability) performed at Invitae indicates that this missense variant is not expected to disrupt BLM protein function. In summary, the available evidence is currently insufficient to determine the role of this variant in disease. Therefore, it has been classified as a Variant of Uncertain Significance. This variant has not been reported in the literature in individuals affected with BLM-related conditions. This variant is not present in population databases (gnomAD no frequency). This sequence change replaces proline, which is neutral and non-polar, with leucine, which is neutral and non-polar, at codon 438 of the BLM protein (p.Pro438Leu).

NM_000057.4(BLM):c.1313C>T (p.Pro438Leu)

Gene: BLM (BLM RecQ like helicase; plus strand). Cytogenetic location: 15q26.1.
Variant type: single nucleotide variant.
Coding change: c.1313C>T on transcript NM_000057.4 (MANE Select); coding-DNA position 1313, C replaced by T.
Protein change: p.Pro438Leu; replaces proline 438 with leucine.
Molecular consequence: missense variant.
Genome position (GRCh38, 1-based): chr15:90,760,686, C>T. VCF-style: chr15-90760686-C-T. GRCh37 (hg19) VCF-style: chr15-91303916-C-T.
Other names: c.1313C>T, p.Pro438Leu (NM_001287246.2, NM_001287247.2); c.188C>T, p.Pro63Leu (NM_001287248.2); short protein forms P63L, P438L.
Identifiers: ClinVar variation 2153906 (VCV002153906.4), dbSNP rs2151157970, ClinGen allele CA393842791.